The following is an entry in ClinVar:

ClinVar aggregate classification (germline): Uncertain significance (1 of 4 stars; one submission).

Allele frequency attached by ClinVar (database versions not stated): gnomAD 0.00001; ExAC 0.00002; 1000 Genomes Project 30x 0.00016; 1000 Genomes Project 0.00020.
gnomAD v4.1: 27 of 1,614,180 alleles (0.0017%); highest among the groups gnomAD compares: Admixed American, 0.0033%; no homozygotes.

Submission:

Labcorp Genetics (formerly Invitae), Labcorp
Classification: Uncertain significance. Last evaluated: 2023-05-14. Review status: criteria provided, single submitter. Criteria: Invitae Variant Classification Sherloc (09022015). Collection method: clinical testing. Allele origin: germline.
Comment: In summary, the available evidence is currently insufficient to determine the role of this variant in disease. Therefore, it has been classified as a Variant of Uncertain Significance. Advanced modeling of protein sequence and biophysical properties (such as structural, functional, and spatial information, amino acid conservation, physicochemical variation, residue mobility, and thermodynamic stability) performed at Invitae indicates that this missense variant is expected to disrupt FN1 protein function. ClinVar contains an entry for this variant (Variation ID: 1898443). This variant has not been reported in the literature in individuals affected with FN1-related conditions. This variant is present in population databases (rs552465703, gnomAD 0.006%). This sequence change replaces arginine, which is basic and polar, with histidine, which is basic and polar, at codon 503 of the FN1 protein (p.Arg503His).

NM_212482.4(FN1):c.1508G>A (p.Arg503His)

Gene: FN1 (fibronectin 1; minus strand). Cytogenetic location: 2q35.
Variant type: single nucleotide variant.
Coding change: c.1508G>A on transcript NM_212482.4 (MANE Select); coding-DNA position 1508, G replaced by A.
Protein change: p.Arg503His; replaces arginine 503 with histidine.
Molecular consequence: missense variant.
Genome position (GRCh38, 1-based): chr2:215,422,129, C>T on the plus strand (G>A on the coding strand, the complement: FN1 is on the minus strand). VCF-style: chr2-215422129-C-T. GRCh37 (hg19) VCF-style: chr2-216286852-C-T.
Other names: c.1508G>A, p.Arg503His (NM_001306129.2, NM_001306130.2, NM_001306131.2 and 14 more transcripts); short protein forms R503H.
Identifiers: ClinVar variation 1898443 (VCV001898443.5), dbSNP rs552465703, ClinGen allele CA2095269.